The following is an entry in ClinVar:

NM_001006658.3(CR2):c.3100C>T (p.Pro1034Ser)

Gene: CR2 (complement C3d receptor 2; plus strand). Cytogenetic location: 1q32.2.
Variant type: single nucleotide variant.
Coding change: c.3100C>T on transcript NM_001006658.3 (MANE Select); coding-DNA position 3100, C replaced by T.
Protein change: p.Pro1034Ser; replaces proline 1034 with serine.
Molecular consequence: missense variant.
Genome position (GRCh38, 1-based): chr1:207,479,268, C>T. VCF-style: chr1-207479268-C-T. GRCh37 (hg19) VCF-style: chr1-207652613-C-T.
Other names: c.2923C>T, p.Pro975Ser (NM_001877.5); short protein forms P975S, P1034S.
Identifiers: ClinVar variation 1488101 (VCV001488101.6), dbSNP rs1558196448, ClinGen allele CA344542003.
Genomic context (GRCh38, chr1:207,479,268, plus strand): 5'-TTATGACACTATACTGATAATCATTTTCATGATTTTGTACTATTTTTAGGTTCACTTGCT[C>T]CTGTCCTTTGTGGTAAGTCTTCTTAAATACTTGAAGAAAAGCTCTTATAATATTTTTTAA-3'
Protein context (NP_001006659.1, residues 1024-1044): LAVCRSRSLA[Pro1034Ser]VLCGIAAGLI

ClinVar aggregate classification (germline): Uncertain significance (1 of 4 stars; one submission).

Conditions:
Immunodeficiency, common variable, 7. Identifiers: Orphanet 1572, Orphanet 696894, MedGen C3542922, MONDO:0013862, OMIM 614699.

gnomAD v4.1: 1 of 1,598,710 alleles (0.000063%); highest among the groups gnomAD compares: Non-Finnish European, 0.000086%; no homozygotes.

Submission:

Labcorp Genetics (formerly Invitae), Labcorp
Classification: Uncertain significance for Immunodeficiency, common variable, 7. Last evaluated: 2022-10-24. Review status: criteria provided, single submitter. Criteria: Invitae Variant Classification Sherloc (09022015). Collection method: clinical testing. Allele origin: germline.
Comment: In summary, the available evidence is currently insufficient to determine the role of this variant in disease. Therefore, it has been classified as a Variant of Uncertain Significance. Algorithms developed to predict the effect of missense changes on protein structure and function are either unavailable or do not agree on the potential impact of this missense change (SIFT: "Deleterious"; PolyPhen-2: "Benign"; Align-GVGD: "Class C65"). ClinVar contains an entry for this variant (Variation ID: 1488101). This variant has not been reported in the literature in individuals affected with CR2-related conditions. This variant is not present in population databases (gnomAD no frequency). This sequence change replaces proline, which is neutral and non-polar, with serine, which is neutral and polar, at codon 1034 of the CR2 protein (p.Pro1034Ser).